The following is an entry in ClinVar:

ClinVar aggregate classification (germline): Conflicting classifications of pathogenicity. Review status: criteria provided, conflicting classifications (1 of 4 stars). 5 submissions from 5 submitters: Uncertain significance (3); Likely benign (2). Last evaluated 2025-11-03.

Conditions:
TTN-related disorder. Also called: TTN-related condition; TTN-related disease; TTN-related disorders.

Allele frequency attached by ClinVar (database versions not stated): gnomAD 0.00001; TOPMed 0.00001.
gnomAD v4.1: 34 of 1,613,818 alleles (0.0021%); highest among the groups gnomAD compares: Non-Finnish European, 0.0026%; no homozygotes.

Submissions (5):

PreventionGenetics, part of Exact Sciences
Classification: Uncertain significance for TTN-related condition. Last evaluated: 2025-11-03. Review status: criteria provided, single submitter. Criteria: ACMG Guidelines, 2015. Collection method: clinical testing. Allele origin: germline.
Comment: The TTN c.30055T>G variant is predicted to result in the amino acid substitution p.Ser10019Ala. To our knowledge, this variant has not been reported in the literature. This variant is reported in 0.0031% of alleles in individuals of European (Non-Finnish) descent in gnomAD. At this time, the clinical significance of this variant is uncertain due to the absence of conclusive functional and genetic evidence.

Molecular Diagnostic Laboratory for Inherited Cardiovascular Disease, Montreal Heart Institute
Classification: Likely benign. Last evaluated: 2025-04-09. Review status: criteria provided, single submitter. Criteria: ACMG Guidelines, 2015. Collection method: clinical testing. Allele origin: germline. Affected: no.

Blueprint Genetics
Classification: Likely benign. Last evaluated: 2022-04-20. Review status: criteria provided, single submitter. Criteria: ACMG Guidelines, 2015. Collection method: clinical testing. Allele origin: germline.

Revvity Omics, Revvity
Classification: Uncertain significance. Last evaluated: 2020-12-11. Review status: criteria provided, single submitter. Criteria: ACMG Guidelines, 2015. Collection method: clinical testing. Allele origin: germline.

Laboratory for Molecular Medicine, Mass General Brigham Personalized Medicine
Classification: Uncertain significance. Last evaluated: 2017-02-22. Review status: criteria provided, single submitter. Criteria: LMM Criteria. Collection method: clinical testing. Allele origin: germline. Observed: 1 variant allele.
Comment: Variant classified as Uncertain Significance - Favor Benign. The p.Ser8775Ala va riant in TTN has not been previously reported in individuals with cardiomyopathy , but has been identified in 3/66736 European chromosomes by the Exome Aggregati on Consortium (ExAC; dbSNP rs754368714). Serine (Ser) at position 8775 is not conserved in evolutionarily distant species and 11 fish species carry an alanine (Ala), raising the possibility that this change m ay be tolerated. Additional computational prediction tools suggest that the p.Se r8774Ala variant may not impact the protein, though this information is not pred ictive enough to rule out pathogenicity. In summary, while the clinical signific ance of the p.Ser8775Ala variant is uncertain, its lack of conservation in evolu tionarily distant species suggests that it is more likely to be benign.

NM_001267550.2(TTN):c.30055T>G (p.Ser10019Ala)

Gene: TTN (titin; minus strand). Cytogenetic location: 2q31.2.
Variant type: single nucleotide variant.
Coding change: c.30055T>G on transcript NM_001267550.2 (MANE Select); coding-DNA position 30055, T replaced by G.
Protein change: p.Ser10019Ala; replaces serine 10019 with alanine.
Molecular consequence: missense variant. On other transcripts: intron variant (3).
Genome position (GRCh38, 1-based): chr2:178,704,315, A>C on the plus strand (T>G on the coding strand, the complement: TTN is on the minus strand). VCF-style: chr2-178704315-A-C. GRCh37 (hg19) VCF-style: chr2-179569042-A-C.
Other names: c.26323T>G, p.Ser8775Ala (NM_133378.4); c.29104T>G, p.Ser9702Ala (NM_001256850.1); c.13282+33767T>G (NM_003319.4); c.13858+33767T>G (NM_133437.4); c.13657+33767T>G (NM_133432.3); short protein forms S10019A, S8775A, S9702A.
Identifiers: ClinVar variation 517239 (VCV000517239.12), dbSNP rs754368714, ClinGen allele CA1999246.